The following is an entry in ClinVar:

ClinVar aggregate classification (germline): Likely benign. Review status: criteria provided, multiple submitters, no conflicts (2 of 4 stars). 2 submissions from 2 submitters: Likely benign (2). Last evaluated 2024-10-29.

Conditions:
Autosomal recessive limb-girdle muscular dystrophy type 2J (LGMDR10). Also called: MUSCULAR DYSTROPHY, LIMB-GIRDLE, AUTOSOMAL RECESSIVE 10; Limb-girdle muscular dystrophy, type 2J. Identifiers: Orphanet 140922, MedGen C1837342, MONDO:0012127, OMIM 608807.
Dilated cardiomyopathy 1G (CMD1G). Identifiers: Orphanet 154, MedGen C1858763, MONDO:0011400, OMIM 604145.

Allele frequency attached by ClinVar (database versions not stated): TOPMed below 0.00001; gnomAD 0.00001.
gnomAD v4.1: 4 of 1,613,960 alleles (0.00025%); highest among the groups gnomAD compares: African/African-American, 0.0013%; no homozygotes.

Submissions (2):

Labcorp Genetics (formerly Invitae), Labcorp
Classification: Likely benign for Dilated cardiomyopathy 1G; Autosomal recessive limb-girdle muscular dystrophy type 2J. Last evaluated: 2024-10-29. Review status: criteria provided, single submitter. Criteria: Invitae Variant Classification Sherloc (09022015). Collection method: clinical testing. Allele origin: germline.

GeneDx
Classification: Likely benign. Last evaluated: 2018-01-16. Review status: criteria provided, single submitter. Criteria: GeneDx Variant Classification (06012015). Collection method: clinical testing. Allele origin: germline. Affected: yes.
Comment: This variant is considered likely benign or benign based on one or more of the following criteria: it is a conservative change, it occurs at a poorly conserved position in the protein, it is predicted to be benign by multiple in silico algorithms, and/or has population frequency not consistent with disease.

NM_001267550.2(TTN):c.1246-14C>T

Gene: TTN (titin; minus strand). Cytogenetic location: 2q31.2.
Variant type: single nucleotide variant.
Coding change: c.1246-14C>T on transcript NM_001267550.2 (MANE Select); 14 bases into the intron before coding-DNA position 1246, C replaced by T.
Molecular consequence: intron variant.
Genome position (GRCh38, 1-based): chr2:178,794,565, G>A on the plus strand (C>T on the coding strand, the complement: TTN is on the minus strand). VCF-style: chr2-178794565-G-A. GRCh37 (hg19) VCF-style: chr2-179659292-G-A.
Other names: c.1246-14C>T (NM_003319.4, NM_133437.4, NM_133432.3 and 3 more transcripts).
Identifiers: ClinVar variation 514832 (VCV000514832.9), dbSNP rs753427490, ClinGen allele CA658796104.
Genomic context (GRCh38, chr2:178,794,565, plus strand): 5'-GCAACAACAGTCGCAACAGCTGCACTTTTGTCAGCATCTTGTTTCACCTAGATTAGAAAT[G>A]ACCAAGTAGATTACTTTTTTAAATGACATGCCCAGTAGAAAATAAAAAAGCATACTGGAA-3'